The following is an entry in ClinVar:

NM_002834.5(PTPN11):c.1690A>T (p.Thr564Ser)

Gene: PTPN11 (protein tyrosine phosphatase non-receptor type 11; plus strand). Cytogenetic location: 12q24.13.
Variant type: single nucleotide variant.
Coding change: c.1690A>T on transcript NM_002834.5 (MANE Select); coding-DNA position 1690, A replaced by T.
Protein change: p.Thr564Ser; replaces threonine 564 with serine.
Molecular consequence: missense variant.
Genome position (GRCh38, 1-based): chr12:112,502,234, A>T. VCF-style: chr12-112502234-A-T. GRCh37 (hg19) VCF-style: chr12-112940038-A-T.
Other names: c.1702A>T, p.Thr568Ser (NM_001330437.2); c.1687A>T, p.Thr563Ser (NM_001374625.1); short protein forms T564S, T563S, T568S.
Identifiers: ClinVar variation 3311380 (VCV003311380.3).
Genomic context (GRCh38, chr12:112,502,234, plus strand): 5'-AATATTAAGTATTCTCTAGCGGACCAGACGAGTGGAGATCAGAGCCCTCTCCCGCCTTGT[A>T]CTCCAACGCCACCCTGTGCAGAGTAAGTAGTGCTGAAGGAAATTCTTTTTACCTGGTCAT-3'
Protein context (NP_002825.3, residues 554-574): SGDQSPLPPC[Thr564Ser]PTPPCAEMRE

ClinVar aggregate classification (germline): Uncertain significance. Review status: criteria provided, multiple submitters, no conflicts (2 of 4 stars). 2 submissions from 2 submitters: Uncertain significance (2). Last evaluated 2025-01-27.

Conditions:
RASopathy. Also called: rasopathies; Noonan spectrum disorder. Identifiers: Orphanet 536391, MedGen C5555857, MONDO:0021060.
Cardiovascular phenotype. Identifiers: MedGen CN230736.

Submissions (2):

Labcorp Genetics (formerly Invitae), Labcorp
Classification: Uncertain significance for RASopathy. Last evaluated: 2025-01-27. Review status: criteria provided, single submitter. Criteria: Invitae Variant Classification Sherloc (09022015). Collection method: clinical testing. Allele origin: germline.
Comment: This sequence change replaces threonine, which is neutral and polar, with serine, which is neutral and polar, at codon 564 of the PTPN11 protein (p.Thr564Ser). The frequency data for this variant in the population databases is considered unreliable, as metrics indicate poor data quality at this position in the gnomAD database. This variant has not been reported in the literature in individuals affected with PTPN11-related conditions. ClinVar contains an entry for this variant (Variation ID: 3311380). Invitae Evidence Modeling of protein sequence and biophysical properties (such as structural, functional, and spatial information, amino acid conservation, physicochemical variation, residue mobility, and thermodynamic stability) indicates that this missense variant is not expected to disrupt PTPN11 protein function with a negative predictive value of 95%. In summary, the available evidence is currently insufficient to determine the role of this variant in disease. Therefore, it has been classified as a Variant of Uncertain Significance.

Ambry Genetics
Classification: Uncertain significance for Cardiovascular phenotype. Last evaluated: 2024-03-24. Review status: criteria provided, single submitter. Criteria: Ambry Variant Classification Scheme 2023. Collection method: clinical testing. Allele origin: germline.
Comment: The p.T564S variant (also known as c.1690A>T), located in coding exon 14 of the PTPN11 gene, results from an A to T substitution at nucleotide position 1690. The threonine at codon 564 is replaced by serine, an amino acid with similar properties. This amino acid position is conserved. In addition, this alteration is predicted to be tolerated by in silico analysis. Based on the available evidence, the clinical significance of this alteration remains unclear.